The following is an entry in ClinVar:

NM_002635.4(SLC25A3):c.103G>C (p.Gly35Arg)

Gene: SLC25A3 (solute carrier family 25 member 3; plus strand). Cytogenetic location: 12q23.1.
Variant type: single nucleotide variant.
Coding change: c.103G>C on transcript NM_002635.4 (MANE Select); coding-DNA position 103, G replaced by C.
Protein change: p.Gly35Arg; replaces glycine 35 with arginine.
Molecular consequence: missense variant.
Genome position (GRCh38, 1-based): chr12:98,594,081, G>C. VCF-style: chr12-98594081-G-C. GRCh37 (hg19) VCF-style: chr12-98987859-G-C.
Other names: p.Gly35Arg; c.103G>C, p.Gly35Arg (NM_005888.4, NM_213611.3); short protein forms G35R.
Identifiers: ClinVar variation 2073850 (VCV002073850.4), dbSNP rs758332287, ClinGen allele CA6732800.

ClinVar aggregate classification (germline): Uncertain significance. Review status: criteria provided, multiple submitters, no conflicts (2 of 4 stars). 3 submissions from 3 submitters: Uncertain significance (3). Last evaluated 2025-02-22.

Allele frequency attached by ClinVar (database versions not stated): ExAC 0.00005; gnomAD 0.00009; TOPMed 0.00013; gnomAD exomes 0.00007.

Submissions (3):

Mayo Clinic Laboratories, Mayo Clinic
Classification: Uncertain significance. Last evaluated: 2025-02-22. Review status: criteria provided, single submitter. Criteria: ACMG Guidelines, 2015. Collection method: clinical testing. Allele origin: germline. Observed: 1 variant allele.
Comment: BP4, PM2_supporting

Ambry Genetics
Classification: Uncertain significance. Last evaluated: 2024-07-17. Review status: criteria provided, single submitter. Criteria: Ambry Variant Classification Scheme 2023. Collection method: clinical testing. Allele origin: germline.

Labcorp Genetics (formerly Invitae), Labcorp
Classification: Uncertain significance. Last evaluated: 2022-07-28. Review status: criteria provided, single submitter. Criteria: Invitae Variant Classification Sherloc (09022015). Collection method: clinical testing. Allele origin: germline.
Comment: This sequence change replaces glycine, which is neutral and non-polar, with arginine, which is basic and polar, at codon 35 of the SLC25A3 protein (p.Gly35Arg). This variant is present in population databases (rs758332287, gnomAD 0.06%). This variant has not been reported in the literature in individuals affected with SLC25A3-related conditions. Algorithms developed to predict the effect of missense changes on protein structure and function (SIFT, PolyPhen-2, Align-GVGD) all suggest that this variant is likely to be tolerated. In summary, the available evidence is currently insufficient to determine the role of this variant in disease. Therefore, it has been classified as a Variant of Uncertain Significance.